The following is an entry in ClinVar:

ClinVar aggregate classification (germline): Uncertain significance (1 of 4 stars; one submission).

Submission:

GeneDx
Classification: Uncertain significance. Last evaluated: 2024-10-15. Review status: criteria provided, single submitter. Criteria: GeneDx Variant Classification Process June 2021. Collection method: clinical testing. Allele origin: germline. Affected: yes.
Comment: Not observed at significant frequency in large population cohorts (gnomAD); In silico analysis indicates that this missense variant does not alter protein structure/function; Has not been previously published as pathogenic or benign to our knowledge

NM_173495.3(PTCHD1):c.76G>A (p.Val26Ile)

Gene: PTCHD1 (patched domain containing 1; plus strand). Cytogenetic location: Xp22.11.
Variant type: single nucleotide variant.
Coding change: c.76G>A on transcript NM_173495.3 (MANE Select); coding-DNA position 76, G replaced by A.
Protein change: p.Val26Ile; replaces valine 26 with isoleucine.
Molecular consequence: missense variant.
Genome position (GRCh38, 1-based): chrX:23,334,951, G>A. VCF-style: chrX-23334951-G-A. GRCh37 (hg19) VCF-style: chrX-23353068-G-A.
Other names: short protein forms V26I.
Identifiers: ClinVar variation 3781196 (VCV003781196.1).